The following is an entry in ClinVar:

ClinVar aggregate classification (germline): Uncertain significance (1 of 4 stars; one submission).

Conditions:
Cardiovascular phenotype. Identifiers: MedGen CN230736.

gnomAD v4.1: 1 of 1,614,022 alleles (0.000062%); highest among the groups gnomAD compares: South Asian, 0.0011%; no homozygotes.

Submission:

Ambry Genetics
Classification: Uncertain significance for Cardiovascular phenotype. Last evaluated: 2024-08-03. Review status: criteria provided, single submitter. Criteria: Ambry Variant Classification Scheme 2023. Collection method: clinical testing. Allele origin: germline.
Comment: The p.I3186V variant (also known as c.9556A>G), located in coding exon 26 of the APOB gene, results from an A to G substitution at nucleotide position 9556. The isoleucine at codon 3186 is replaced by valine, an amino acid with highly similar properties. This amino acid position is conserved. In addition, this alteration is predicted to be tolerated by in silico analysis. Based on the available evidence, the clinical significance of this variant remains unclear.

NM_000384.3(APOB):c.9556A>G (p.Ile3186Val)

Gene: APOB (apolipoprotein B; minus strand). Cytogenetic location: 2p24.1.
Variant type: single nucleotide variant.
Coding change: c.9556A>G on transcript NM_000384.3 (MANE Select); coding-DNA position 9556, A replaced by G.
Protein change: p.Ile3186Val; replaces isoleucine 3186 with valine.
Molecular consequence: missense variant.
Genome position (GRCh38, 1-based): chr2:21,007,312, T>C on the plus strand (A>G on the coding strand, the complement: APOB is on the minus strand). VCF-style: chr2-21007312-T-C. GRCh37 (hg19) VCF-style: chr2-21230184-T-C.
Other names: short protein forms I3186V.
Identifiers: ClinVar variation 3415670 (VCV003415670.1).